The following is an entry in ClinVar:

NM_033004.4(NLRP1):c.2225G>A (p.Gly742Asp)

Gene: NLRP1 (NLR family pyrin domain containing 1; minus strand). Cytogenetic location: 17p13.2.
Variant type: single nucleotide variant.
Coding change: c.2225G>A on transcript NM_033004.4 (MANE Select); coding-DNA position 2225, G replaced by A.
Protein change: p.Gly742Asp; replaces glycine 742 with aspartic acid.
Molecular consequence: missense variant.
Genome position (GRCh38, 1-based): chr17:5,558,471, C>T on the plus strand (G>A on the coding strand, the complement: NLRP1 is on the minus strand). VCF-style: chr17-5558471-C-T. GRCh37 (hg19) VCF-style: chr17-5461791-C-T.
Other names: c.2225G>A, p.Gly742Asp (NM_001033053.3, NM_014922.5, NM_033006.4 and 1 more transcripts); short protein forms G742D.
Identifiers: ClinVar variation 1373713 (VCV001373713.8), dbSNP rs2151801635, ClinGen allele CA397382717.

ClinVar aggregate classification (germline): Uncertain significance (1 of 4 stars; one submission).

Submission:

Labcorp Genetics (formerly Invitae), Labcorp
Classification: Uncertain significance. Last evaluated: 2022-07-19. Review status: criteria provided, single submitter. Criteria: Invitae Variant Classification Sherloc (09022015). Collection method: clinical testing. Allele origin: germline.
Comment: This variant has not been reported in the literature in individuals affected with NLRP1-related conditions. In summary, the available evidence is currently insufficient to determine the role of this variant in disease. Therefore, it has been classified as a Variant of Uncertain Significance. Algorithms developed to predict the effect of missense changes on protein structure and function (SIFT, PolyPhen-2, Align-GVGD) all suggest that this variant is likely to be tolerated. ClinVar contains an entry for this variant (Variation ID: 1373713). This variant is not present in population databases (gnomAD no frequency). This sequence change replaces glycine, which is neutral and non-polar, with aspartic acid, which is acidic and polar, at codon 742 of the NLRP1 protein (p.Gly742Asp).